The following is an entry in ClinVar:

ClinVar aggregate classification (germline): Uncertain significance (1 of 4 stars; one submission).

Conditions:
Niemann-Pick disease, type C1. Also called: NIEMANN-PICK DISEASE, VARIANT TYPE C1; NEUROVISCERAL STORAGE DISEASE WITH VERTICAL SUPRANUCLEAR OPHTHALMOPLEGIA; NIEMANN-PICK DISEASE WITH CHOLESTEROL ESTERIFICATION BLOCK; NIEMANN-PICK DISEASE WITHOUT SPHINGOMYELINASE DEFICIENCY; NIEMANN-PICK DISEASE, CHRONIC NEURONOPATHIC FORM. Identifiers: Orphanet 646, MedGen C3179455, MONDO:0009757, OMIM 257220.

Allele frequency attached by ClinVar (database versions not stated): ExAC 0.00001; gnomAD 0.00003 and 0.00004; TOPMed 0.00008.

Submission:

Labcorp Genetics (formerly Invitae), Labcorp
Classification: Uncertain significance for Niemann-Pick disease, type C1. Last evaluated: 2021-10-08. Review status: criteria provided, single submitter. Criteria: Invitae Variant Classification Sherloc (09022015). Collection method: clinical testing. Allele origin: germline.
Comment: This sequence change replaces arginine with histidine at codon 819 of the NPC1 protein (p.Arg819His). The arginine residue is moderately conserved and there is a small physicochemical difference between arginine and histidine. This variant is present in population databases (rs751952669, ExAC 0.01%). This variant has not been reported in the literature in individuals affected with NPC1-related conditions. Algorithms developed to predict the effect of missense changes on protein structure and function (SIFT, PolyPhen-2, Align-GVGD) all suggest that this variant is likely to be tolerated. In summary, the available evidence is currently insufficient to determine the role of this variant in disease. Therefore, it has been classified as a Variant of Uncertain Significance.

NM_000271.5(NPC1):c.2456G>A (p.Arg819His)

Gene: NPC1 (NPC intracellular cholesterol transporter 1; minus strand). Cytogenetic location: 18q11.2.
Variant type: single nucleotide variant.
Coding change: c.2456G>A on transcript NM_000271.5 (MANE Select); coding-DNA position 2456, G replaced by A.
Protein change: p.Arg819His; replaces arginine 819 with histidine.
Molecular consequence: missense variant.
Genome position (GRCh38, 1-based): chr18:23,541,126, C>T on the plus strand (G>A on the coding strand, the complement: NPC1 is on the minus strand). VCF-style: chr18-23541126-C-T. GRCh37 (hg19) VCF-style: chr18-21121090-C-T.
Other names: short protein forms R819H.
Identifiers: ClinVar variation 1508647 (VCV001508647.3), dbSNP rs751952669, ClinGen allele CA8913096.